The following is an entry in ClinVar:

NC_000023.10:g.(?_107782956)_(107821633_?)del

Gene: COL4A5 (collagen type IV alpha 5 chain; plus strand). Cytogenetic location: Xq22.3.
Variant type: Deletion.
Identifiers: ClinVar variation 1457570 (VCV001457570.6).

ClinVar aggregate classification (germline): Pathogenic (1 of 4 stars; one submission).

Submission:

Labcorp Genetics (formerly Invitae), Labcorp
Classification: Pathogenic. Last evaluated: 2021-04-19. Review status: criteria provided, single submitter. Criteria: Invitae Variant Classification Sherloc (09022015). Collection method: clinical testing. Allele origin: germline.
Comment: For these reasons, this variant has been classified as Pathogenic. The region of the COL4A5 gene that includes exon(s) 2-6 has been determined to be clinically significant (Invitae). Therefore, deletions that encompass that region are likely to disrupt protein function and cause disease. This variant has been observed in individual(s) with hematuria (Invitae). This variant is a gross deletion of the genomic region encompassing exon(s) 2-13 of the COL4A5 gene. This variant would be expected to be in-frame, preserving the integrity of the reading frame.